The following is an entry in ClinVar:

ClinVar aggregate classification (germline): Uncertain significance (1 of 4 stars; one submission).

Conditions:
Inborn genetic diseases. Identifiers: MedGen C0950123, MeSH D030342.

Allele frequency attached by ClinVar (database versions not stated): TOPMed 0.00001.

Submission:

Ambry Genetics
Classification: Uncertain significance for Inborn genetic diseases. Last evaluated: 2017-11-13. Review status: criteria provided, single submitter. Criteria: Ambry Variant Classification Scheme 2023. Collection method: clinical testing. Allele origin: germline.
Comment: The p.P711Q variant (also known as c.2132C>A), located in coding exon 13 of the GRIA3 gene, results from a C to A substitution at nucleotide position 2132. The proline at codon 711 is replaced by glutamine, an amino acid with similar properties. This amino acid position is highly conserved in available vertebrate species. In addition, this alteration is predicted to be deleterious by in silico analysis. Since supporting evidence is limited at this time, the clinical significance of this alteration remains unclear.

NM_007325.5(GRIA3):c.2132C>A (p.Pro711Gln)

Gene: GRIA3 (glutamate ionotropic receptor AMPA type subunit 3; plus strand). Cytogenetic location: Xq25.
Variant type: single nucleotide variant.
Coding change: c.2132C>A on transcript NM_007325.5 (MANE Select); coding-DNA position 2132, C replaced by A.
Protein change: p.Pro711Gln; replaces proline 711 with glutamine.
Molecular consequence: missense variant.
Genome position (GRCh38, 1-based): chrX:123,464,920, C>A. VCF-style: chrX-123464920-C-A. GRCh37 (hg19) VCF-style: chrX-122598771-C-A.
Other names: c.2132C>A, p.Pro711Gln (NM_000828.5); short protein forms P711Q.
Identifiers: ClinVar variation 1786425 (VCV001786425.2), dbSNP rs1251959475, ClinGen allele CA414264790.